The following is an entry in ClinVar:

NM_004380.3(CREBBP):c.5874G>C (p.Ala1958=)

Gene: CREBBP (CREB binding lysine acetyltransferase; minus strand). Cytogenetic location: 16p13.3.
Variant type: single nucleotide variant.
Coding change: c.5874G>C on transcript NM_004380.3 (MANE Select); coding-DNA position 5874, G replaced by C.
Protein change: p.Ala1958=; no amino-acid change (alanine 1958 retained).
Molecular consequence: synonymous variant.
Genome position (GRCh38, 1-based): chr16:3,729,173, C>G on the plus strand (G>C on the coding strand, the complement: CREBBP is on the minus strand). VCF-style: chr16-3729173-C-G. GRCh37 (hg19) VCF-style: chr16-3779174-C-G.
Other names: c.5760G>C, p.Ala1920= (NM_001079846.1).
Identifiers: ClinVar variation 589594 (VCV000589594.15), dbSNP rs373950003, ClinGen allele CA7869235.

ClinVar aggregate classification (germline): Likely benign. Review status: criteria provided, multiple submitters, no conflicts (2 of 4 stars). 4 submissions from 4 submitters: Likely benign (3). 1 of the submissions does not count toward it. Last evaluated 2024-04-13.

Conditions:
Inborn genetic diseases. Identifiers: MedGen C0950123, MeSH D030342.
CREBBP-related disorder. Also called: CREBBP-related disorders; CREBBP-related condition.
Rubinstein-Taybi syndrome (RSTS). Identifiers: Orphanet 783, MedGen C0035934, MONDO:0019188.

Allele frequency attached by ClinVar (database versions not stated): gnomAD 0.00015; ExAC 0.00017; TOPMed 0.00018; 1000 Genomes Project 0.00020; ESP Exome Variant Server 0.00024; 1000 Genomes Project 30x 0.00031.
gnomAD v4.1: 36 of 1,536,214 alleles (0.0023%); highest among the groups gnomAD compares: African/African-American, 0.039%; no homozygotes.

Submissions (4):

Labcorp Genetics (formerly Invitae), Labcorp
Classification: Likely benign for Rubinstein-Taybi syndrome. Last evaluated: 2024-04-13. Review status: criteria provided, single submitter. Criteria: Invitae Variant Classification Sherloc (09022015). Collection method: clinical testing. Allele origin: germline.

GeneDx
Classification: Likely benign. Last evaluated: 2020-06-01. Review status: criteria provided, single submitter. Criteria: GeneDx Variant Classification Process June 2021. Collection method: clinical testing. Allele origin: germline. Affected: yes.

Ambry Genetics
Classification: Likely benign for Inborn genetic diseases. Last evaluated: 2017-04-05. Review status: criteria provided, single submitter. Criteria: Ambry Variant Classification Scheme 2023. Collection method: clinical testing. Allele origin: germline.

PreventionGenetics, part of Exact Sciences
Classification: Likely benign for CREBBP-related condition. Last evaluated: 2022-04-05. Review status: no assertion criteria provided. Collection method: clinical testing. Allele origin: germline. Not counted in ClinVar's aggregate classification.
Comment: This variant is classified as likely benign based on ACMG/AMP sequence variant interpretation guidelines (Richards et al. 2015 PMID: 25741868, with internal and published modifications).